The following is an entry in ClinVar:

ClinVar aggregate classification (germline): Uncertain significance (1 of 4 stars; one submission).

gnomAD v4.1: 2 of 1,550,898 alleles (0.00013%); highest among the groups gnomAD compares: Non-Finnish European, 0.00017%; no homozygotes.

Submission:

GeneDx
Classification: Uncertain significance. Last evaluated: 2024-05-09. Review status: criteria provided, single submitter. Criteria: GeneDx Variant Classification Process June 2021. Collection method: clinical testing. Allele origin: germline. Affected: yes.
Comment: Not observed at significant frequency in large population cohorts (gnomAD); In silico analysis supports that this missense variant has a deleterious effect on protein structure/function; Has not been previously published as pathogenic or benign to our knowledge

NM_001130823.3(DNMT1):c.4660C>T (p.Arg1554Cys)

Genes: DNMT1 (DNA methyltransferase 1; minus strand), LOC126862853 (CDK7 strongly-dependent group 2 enhancer GRCh37_chr19:10246117-10247316; plus strand). Cytogenetic location: 19p13.2.
Variant type: single nucleotide variant.
Coding change: c.4660C>T on transcript NM_001130823.3 (MANE Select); coding-DNA position 4660, C replaced by T.
Protein change: p.Arg1554Cys; replaces arginine 1554 with cysteine.
Molecular consequence: missense variant.
Genome position (GRCh38, 1-based): chr19:10,135,849, G>A on the plus strand (C>T on the coding strand, the complement: DNMT1 is on the minus strand). VCF-style: chr19-10135849-G-A. GRCh37 (hg19) VCF-style: chr19-10246525-G-A.
Other names: c.4621C>T, p.Arg1541Cys (NM_001318730.2); c.4297C>T, p.Arg1433Cys (NM_001318731.2); c.4612C>T, p.Arg1538Cys (NM_001379.4); short protein forms R1433C, R1538C, R1541C, R1554C.
Identifiers: ClinVar variation 3378148 (VCV003378148.1).